The following is an entry in ClinVar:

ClinVar aggregate classification (germline): Likely benign. Review status: criteria provided, multiple submitters, no conflicts (2 of 4 stars). 3 submissions from 3 submitters: Likely benign (3). Last evaluated 2026-09-01.

Conditions:
Trichorhinophalangeal dysplasia type I (TRPS1). Also called: TRPS I; TRICHORHINOPHALANGEAL SYNDROME, TYPE I. Identifiers: Orphanet 77258, MedGen C0432233, MONDO:0008596, OMIM 190350.
Trichorhinophalangeal syndrome, type III (TRPS3). Also called: SUGIO-KAJII SYNDROME. Identifiers: Orphanet 77258, MedGen C1860823, OMIM 190351, MONDO:0008597.

Allele frequency attached by ClinVar (database versions not stated): gnomAD exomes 0.00003 and 0.00014; ExAC 0.00007; ESP Exome Variant Server 0.00008; gnomAD 0.00011 and 0.00012; TOPMed 0.00019; 1000 Genomes Project 0.00020; 1000 Genomes Project 30x 0.00031.
gnomAD v4.1: 64 of 1,614,060 alleles (0.004%); highest among the groups gnomAD compares: Admixed American, 0.097%; no homozygotes.

Submissions (3):

CeGaT Center for Human Genetics Tuebingen
Classification: Likely benign. Last evaluated: 2026-09-01. Review status: criteria provided, single submitter. Criteria: CeGaT Center For Human Genetics Tuebingen Variant Classification Criteria Version 2. Collection method: clinical testing. Allele origin: germline. Affected: yes. Observed: 1 variant allele.
Comment: TRPS1: BS2

Labcorp Genetics (formerly Invitae), Labcorp
Classification: Likely benign for Trichorhinophalangeal syndrome, type III; Trichorhinophalangeal dysplasia type I. Last evaluated: 2025-12-21. Review status: criteria provided, single submitter. Criteria: Invitae Variant Classification Sherloc (09022015). Collection method: clinical testing. Allele origin: germline.

Blueprint Genetics
Classification: Likely benign. Last evaluated: 2020-03-19. Review status: criteria provided, single submitter. Criteria: ACMG Guidelines, 2015. Collection method: clinical testing. Allele origin: germline.

NM_014112.5(TRPS1):c.3224C>G (p.Ser1075Cys)

Gene: TRPS1 (transcriptional repressor GATA binding 1; minus strand). Cytogenetic location: 8q23.3.
Variant type: single nucleotide variant.
Coding change: c.3224C>G on transcript NM_014112.5 (MANE Select); coding-DNA position 3224, C replaced by G.
Protein change: p.Ser1075Cys; replaces serine 1075 with cysteine.
Molecular consequence: missense variant.
Genome position (GRCh38, 1-based): chr8:115,414,684, G>C on the plus strand (C>G on the coding strand, the complement: TRPS1 is on the minus strand). VCF-style: chr8-115414684-G-C. GRCh37 (hg19) VCF-style: chr8-116426912-G-C.
Other names: c.3197C>G, p.Ser1066Cys (NM_001282902.3); c.3203C>G, p.Ser1068Cys (NM_001282903.3); c.3185C>G, p.Ser1062Cys (NM_001330599.2); short protein forms S1075C, S1062C, S1066C, S1068C.
Identifiers: ClinVar variation 361606 (VCV000361606.11), dbSNP rs190186284, ClinGen allele CA4851511.